The following is an entry in ClinVar:

NM_001128225.3(SLC39A13):c.184G>A (p.Gly62Arg)

Gene: SLC39A13 (solute carrier family 39 member 13; plus strand). Cytogenetic location: 11p11.2.
Variant type: single nucleotide variant.
Coding change: c.184G>A on transcript NM_001128225.3 (MANE Select); coding-DNA position 184, G replaced by A.
Protein change: p.Gly62Arg; replaces glycine 62 with arginine.
Molecular consequence: missense variant. On other transcripts: non-coding transcript variant (1).
Genome position (GRCh38, 1-based): chr11:47,410,278, G>A. VCF-style: chr11-47410278-G-A. GRCh37 (hg19) VCF-style: chr11-47431829-G-A.
Other names: c.184G>A, p.Gly62Arg (NM_001330245.2, NM_152264.5); short protein forms G62R.
Identifiers: ClinVar variation 423698 (VCV000423698.6), dbSNP rs200726045, ClinGen allele CA5975687.

ClinVar aggregate classification (germline): Uncertain significance. Review status: criteria provided, multiple submitters, no conflicts (2 of 4 stars). 2 submissions from 2 submitters: Uncertain significance (2). Last evaluated 2025-11-03.

Conditions:
Ehlers-Danlos syndrome, spondylodysplastic type, 3. Also called: Ehlers-Danlos syndrome, spondylocheirodysplastic type. Identifiers: Orphanet 157965, MedGen C2676510, MONDO:0012873, OMIM 612350.

Allele frequency attached by ClinVar (database versions not stated): gnomAD 0.00001; gnomAD exomes 0.00002; ExAC 0.00003; TOPMed 0.00004; 1000 Genomes Project 30x 0.00016; 1000 Genomes Project 0.00020.
gnomAD v4.1: 22 of 1,614,136 alleles (0.0014%); highest among the groups gnomAD compares: Admixed American, 0.01%; no homozygotes.

Submissions (2):

Labcorp Genetics (formerly Invitae), Labcorp
Classification: Uncertain significance for Ehlers-Danlos syndrome, spondylodysplastic type, 3. Last evaluated: 2025-11-03. Review status: criteria provided, single submitter. Criteria: Invitae Variant Classification Sherloc (09022015). Collection method: clinical testing. Allele origin: germline.
Comment: This sequence change replaces glycine, which is neutral and non-polar, with arginine, which is basic and polar, at codon 62 of the SLC39A13 protein (p.Gly62Arg). This variant is present in population databases (rs200726045, gnomAD 0.005%). This variant has not been reported in the literature in individuals affected with SLC39A13-related conditions. ClinVar contains an entry for this variant (Variation ID: 423698). Invitae Evidence Modeling of protein sequence and biophysical properties (such as structural, functional, and spatial information, amino acid conservation, physicochemical variation, residue mobility, and thermodynamic stability) indicates that this missense variant is not expected to disrupt SLC39A13 protein function with a negative predictive value of 80%. In summary, the available evidence is currently insufficient to determine the role of this variant in disease. Therefore, it has been classified as a Variant of Uncertain Significance.

GeneDx
Classification: Uncertain significance. Last evaluated: 2017-02-16. Review status: criteria provided, single submitter. Criteria: GeneDx Variant Classification (06012015). Collection method: clinical testing. Allele origin: germline. Affected: yes.
Comment: The G62R variant has not been published as pathogenic or been reported as benign to our knowledge. It is not observed at a significant frequency in large population cohorts (Lek et al., 2016; 1000 Genomes Consortium et al., 2015; Exome Variant Server). In addition, the G62R variant is a non-conservative amino acid substitution, which is likely to impact secondary protein structure as these residues differ in polarity, charge, size and/or other properties. However, this substitution occurs at a position that is not conserved across species, and in silico analysis is inconsistent in its predictions as to whether or not the variant is damaging to the protein structure/function.